The following is an entry in ClinVar:

NM_018972.4(GDAP1):c.991G>A (p.Gly331Arg)

Gene: GDAP1 (ganglioside induced differentiation associated protein 1; plus strand). Cytogenetic location: 8q21.11.
Variant type: single nucleotide variant.
Coding change: c.991G>A on transcript NM_018972.4 (MANE Select); coding-DNA position 991, G replaced by A.
Protein change: p.Gly331Arg; replaces glycine 331 with arginine.
Molecular consequence: missense variant. On other transcripts: intron variant (1).
Genome position (GRCh38, 1-based): chr8:74,364,281, G>A. VCF-style: chr8-74364281-G-A. GRCh37 (hg19) VCF-style: chr8-75276516-G-A.
Other names: c.787G>A, p.Gly263Arg (NM_001040875.4); c.664G>A, p.Gly222Arg (NM_001362929.2, NM_001362932.2); c.817G>A, p.Gly273Arg (NM_001362930.2); c.694+1228G>A (NM_001362931.2); short protein forms G222R, G263R, G273R, G331R.
Identifiers: ClinVar variation 4805932 (VCV004805932.1).

ClinVar aggregate classification (germline): Uncertain significance (1 of 4 stars; one submission).

Conditions:
Charcot-Marie-Tooth disease type 4A. Also called: Charcot-Marie-Tooth disease, demyelinating, autosomal recessive, type 4a. Identifiers: Orphanet 99948, MedGen C1859198, MONDO:0008961, OMIM 214400.

Submission:

Labcorp Genetics (formerly Invitae), Labcorp
Classification: Uncertain significance for Charcot-Marie-Tooth disease type 4A. Last evaluated: 2025-03-30. Review status: criteria provided, single submitter. Criteria: Invitae Variant Classification Sherloc (09022015). Collection method: clinical testing. Allele origin: germline.
Comment: This sequence change replaces glycine, which is neutral and non-polar, with arginine, which is basic and polar, at codon 331 of the GDAP1 protein (p.Gly331Arg). This variant is not present in population databases (gnomAD no frequency). This missense change has been observed in individual(s) with autosomal recessive Charcot-Marie-Tooth disease (internal data). In at least one individual the data is consistent with being in trans (on the opposite chromosome) from a pathogenic variant. Invitae Evidence Modeling of protein sequence and biophysical properties (such as structural, functional, and spatial information, amino acid conservation, physicochemical variation, residue mobility, and thermodynamic stability) indicates that this missense variant is not expected to disrupt GDAP1 protein function with a negative predictive value of 80%. In summary, the available evidence is currently insufficient to determine the role of this variant in disease. Therefore, it has been classified as a Variant of Uncertain Significance.